The following is an entry in ClinVar:

ClinVar aggregate classification (germline): Uncertain significance (1 of 4 stars; one submission).

Allele frequency attached by ClinVar (database versions not stated): gnomAD exomes below 0.00001; TOPMed 0.00001.

Submission:

Labcorp Genetics (formerly Invitae), Labcorp
Classification: Uncertain significance. Last evaluated: 2024-01-16. Review status: criteria provided, single submitter. Criteria: Invitae Variant Classification Sherloc (09022015). Collection method: clinical testing. Allele origin: germline.
Comment: This sequence change replaces arginine, which is basic and polar, with glutamine, which is neutral and polar, at codon 1201 of the MTOR protein (p.Arg1201Gln). This variant is not present in population databases (gnomAD no frequency). This variant has not been reported in the literature in individuals affected with MTOR-related conditions. Advanced modeling of protein sequence and biophysical properties (such as structural, functional, and spatial information, amino acid conservation, physicochemical variation, residue mobility, and thermodynamic stability) performed at Invitae indicates that this missense variant is not expected to disrupt MTOR protein function with a negative predictive value of 95%. In summary, the available evidence is currently insufficient to determine the role of this variant in disease. Therefore, it has been classified as a Variant of Uncertain Significance.

NM_004958.4(MTOR):c.3602G>A (p.Arg1201Gln)

Gene: MTOR (mechanistic target of rapamycin kinase; minus strand). Cytogenetic location: 1p36.22.
Variant type: single nucleotide variant.
Coding change: c.3602G>A on transcript NM_004958.4 (MANE Select); coding-DNA position 3602, G replaced by A.
Protein change: p.Arg1201Gln; replaces arginine 1201 with glutamine.
Molecular consequence: missense variant.
Genome position (GRCh38, 1-based): chr1:11,210,866, C>T on the plus strand (G>A on the coding strand, the complement: MTOR is on the minus strand). VCF-style: chr1-11210866-C-T. GRCh37 (hg19) VCF-style: chr1-11270923-C-T.
Other names: c.3602G>A, p.Arg1201Gln (NM_001386500.1); c.2354G>A, p.Arg785Gln (NM_001386501.1); short protein forms R1201Q, R785Q.
Identifiers: ClinVar variation 2956789 (VCV002956789.3), dbSNP rs975845561, ClinGen allele CA17917322.